The following is an entry in ClinVar:

ClinVar aggregate classification (germline): Uncertain significance (1 of 4 stars; one submission).

Conditions:
Hereditary cancer-predisposing syndrome. Also called: Neoplastic Syndromes, Hereditary; Tumor predisposition; Hereditary Cancer Syndrome; Hereditary neoplastic syndrome. Identifiers: Orphanet 140162, MedGen C0027672, MeSH D009386, MONDO:0015356.

Submission:

Ambry Genetics
Classification: Uncertain significance for Hereditary cancer-predisposing syndrome. Last evaluated: 2024-08-29. Review status: criteria provided, single submitter. Criteria: Ambry Variant Classification Scheme 2023. Collection method: clinical testing. Allele origin: germline.
Comment: The c.-9_-5delGGCGGinsAA variant is located in the 5' untranslated region (5&rsquo;UTR) of the PTCH1 gene. This variant results from a deletion of 5 nucleotides and insertion of 2 nucleotides upstream from the first translated codon. This nucleotide region is well conserved in available vertebrate species. Based on the available evidence, the clinical significance of this variant remains unclear.

NM_000264.5(PTCH1):c.-9_-5delinsAA

Genes: PTCH1 (patched 1; minus strand), LOC130002133 (ATAC-STARR-seq lymphoblastoid silent region 20071; plus strand). Cytogenetic location: 9q22.32.
Variant type: Indel.
Coding change: c.-9_-5delinsAA on transcript NM_000264.5 (MANE Select); 9 bases upstream of the start codon through 5 bases upstream of the start codon, GGCGG replaced by AA.
Molecular consequence: 5 prime UTR variant. On other transcripts: non-coding transcript variant (1), intron variant (3).
Genome position (GRCh38, 1-based): chr9:95,508,366-95,508,370, CCGCC replaced by TT on the plus strand (GGCGG replaced by AA on the coding strand, the reverse complement: PTCH1 is on the minus strand). VCF-style: chr9-95508366-CCGCC-TT. GRCh37 (hg19) VCF-style: chr9-98270648-CCGCC-TT.
Other names: c.-9_-5delinsAA (NM_001354918.2); c.199-1771_199-1767delinsAA (NM_001083603.3); c.4-1771_4-1767delinsAA (NM_001083602.3, NM_001354919.2).
Identifiers: ClinVar variation 1765429 (VCV001765429.3), dbSNP rs2538405111, ClinGen allele CA2580080744.
Genomic context (GRCh38, chr9:95,508,366, plus strand): 5'-CCGCTGCCGCCGCCGCCGCGGTCCTGGGGCTCGGCGGCGTTACCAGCCGAGGCCATGTTG[CCGCC>TT]GCCGCCGCCGCCGCCGCGGGGACGGAGGCTTCCCGGGCGGCCCGGCGCGCTGCTGCCGCT-3'